The following is an entry in ClinVar:

ClinVar aggregate classification (germline): Uncertain significance (1 of 4 stars; one submission).

Submission:

GeneDx
Classification: Uncertain significance. Last evaluated: 2018-05-18. Review status: criteria provided, single submitter. Criteria: GeneDx Variant Classification (06012015). Collection method: clinical testing. Allele origin: germline. Affected: yes.
Comment: A variant of uncertain significance has been identified in the TRDN gene. The E641G variant has not been published as pathogenic or been reported as benign to our knowledge. This variant is also not observed in large population cohorts (Lek et al., 2016). The E641G variant is a non-conservative amino acid substitution, which is likely to impact secondary protein structure as these residues differ in polarity, charge, size and/or other properties. However, in-silico analyses, including protein predictors and evolutionary conservation, support that this variant does not alter protein structure/function.

NM_006073.4(TRDN):c.1922A>G (p.Glu641Gly)

Gene: TRDN (triadin; minus strand). Cytogenetic location: 6q22.31.
Variant type: single nucleotide variant.
Coding change: c.1922A>G on transcript NM_006073.4 (MANE Select); coding-DNA position 1922, A replaced by G.
Protein change: p.Glu641Gly; replaces glutamic acid 641 with glycine.
Molecular consequence: missense variant.
Genome position (GRCh38, 1-based): chr6:123,255,110, T>C on the plus strand (A>G on the coding strand, the complement: TRDN is on the minus strand). VCF-style: chr6-123255110-T-C. GRCh37 (hg19) VCF-style: chr6-123576255-T-C.
Other names: short protein forms E641G.
Identifiers: ClinVar variation 546422 (VCV000546422.2), dbSNP rs1554217845, ClinGen allele CA365562150.